The following is an entry in ClinVar:

ClinVar aggregate classification (germline): Likely benign. Review status: criteria provided, multiple submitters, no conflicts (2 of 4 stars). 3 submissions from 3 submitters: Likely benign (2). 1 of the submissions does not count toward it. Last evaluated 2025-12-19.

Conditions:
RALA-related disorder. Also called: RALA-related condition.

Allele frequency attached by ClinVar (database versions not stated): ESP Exome Variant Server 0.00016; gnomAD 0.00023 and 0.00025; gnomAD exomes 0.00026 and 0.00029; TOPMed 0.00028; ExAC 0.00034.
gnomAD v4.1: 399 of 1,594,092 alleles (0.025%); highest among the groups gnomAD compares: Middle Eastern, 0.068%; no homozygotes.

Submissions (3):

Labcorp Genetics (formerly Invitae), Labcorp
Classification: Likely benign. Last evaluated: 2025-12-19. Review status: criteria provided, single submitter. Criteria: Invitae Variant Classification Sherloc (09022015). Collection method: clinical testing. Allele origin: germline.

Blueprint Genetics
Classification: Likely benign. Last evaluated: 2024-10-24. Review status: criteria provided, single submitter. Criteria: ACMG Guidelines, 2015. Collection method: clinical testing. Allele origin: germline.

PreventionGenetics, part of Exact Sciences
Classification: Likely benign for RALA-related condition. Last evaluated: 2020-01-02. Review status: no assertion criteria provided. Collection method: clinical testing. Allele origin: germline. Not counted in ClinVar's aggregate classification.
Comment: This variant is classified as likely benign based on ACMG/AMP sequence variant interpretation guidelines (Richards et al. 2015 PMID: 25741868, with internal and published modifications).

NM_005402.4(RALA):c.499-9T>C

Gene: RALA (RAS like proto-oncogene A; plus strand). Cytogenetic location: 7p14.1.
Variant type: single nucleotide variant.
Coding change: c.499-9T>C on transcript NM_005402.4 (MANE Select); 9 bases into the intron before coding-DNA position 499, T replaced by C.
Molecular consequence: intron variant.
Genome position (GRCh38, 1-based): chr7:39,706,114, T>C. VCF-style: chr7-39706114-T-C. GRCh37 (hg19) VCF-style: chr7-39745713-T-C.
Other names: c.499-9T>C (NM_005402.3).
Identifiers: ClinVar variation 1649675 (VCV001649675.11), dbSNP rs199849868, ClinGen allele CA4228270.
Genomic context (GRCh38, chr7:39,706,114, plus strand): 5'-CTGTGATTTGGAGAAGTACCAAGTTCATGTATCTGTTTGCTTTATTTATCCTATTTTTTT[T>C]CTTTCTAGGTATTTTTTGATTTAATGAGAGAAATTCGAGCGAGAAAGATGGAAGACAGCA-3'